The following is an entry in ClinVar:

NM_014271.4(IL1RAPL1):c.748A>G (p.Ser250Gly)

Gene: IL1RAPL1 (interleukin 1 receptor accessory protein like 1; plus strand). Cytogenetic location: Xp21.2.
Variant type: single nucleotide variant.
Coding change: c.748A>G on transcript NM_014271.4 (MANE Select); coding-DNA position 748, A replaced by G.
Protein change: p.Ser250Gly; replaces serine 250 with glycine.
Molecular consequence: missense variant.
Genome position (GRCh38, 1-based): chrX:29,668,474, A>G. VCF-style: chrX-29668474-A-G. GRCh37 (hg19) VCF-style: chrX-29686591-A-G.
Other names: short protein forms S250G.
Identifiers: ClinVar variation 3714278 (VCV003714278.3).

ClinVar aggregate classification (germline): Uncertain significance (1 of 4 stars; one submission).

gnomAD v4.1: 4 of 1,207,425 alleles (0.00033%); highest among the groups gnomAD compares: East Asian, 0.0059%; no homozygotes.

Submissions (2):

Labcorp Genetics (formerly Invitae), Labcorp
Classification: Uncertain significance. Last evaluated: 2024-05-23. Review status: criteria provided, single submitter. Criteria: Invitae Variant Classification Sherloc (09022015). Collection method: clinical testing. Allele origin: germline.
Comment: This sequence change replaces serine, which is neutral and polar, with glycine, which is neutral and non-polar, at codon 250 of the IL1RAPL1 protein (p.Ser250Gly). The frequency data for this variant in the population databases is considered unreliable, as metrics indicate poor data quality at this position in the gnomAD database. This variant has not been reported in the literature in individuals affected with IL1RAPL1-related conditions. An algorithm developed to predict the effect of missense changes on protein structure and function (PolyPhen-2) suggests that this variant is likely to be tolerated. In summary, the available evidence is currently insufficient to determine the role of this variant in disease. Therefore, it has been classified as a Variant of Uncertain Significance.

Dr. Peter K. Rogan Lab, Western University
No classification provided (evidence only). Condition: Nonpapillary renal cell carcinoma. Review status: no classification provided. Collection method: in vitro. Allele origin: not applicable. Functional consequence: retained intron. Not counted in ClinVar's aggregate classification.